The following is an entry in ClinVar:

ClinVar aggregate classification (germline): Uncertain significance (1 of 4 stars; one submission).

Conditions:
Peroxisome biogenesis disorder, complementation group K (CGK). Identifiers: MedGen C1866257, MONDO:0800365.

Submission:

Labcorp Genetics (formerly Invitae), Labcorp
Classification: Uncertain significance for Peroxisome biogenesis disorder, complementation group K. Last evaluated: 2022-08-03. Review status: criteria provided, single submitter. Criteria: Invitae Variant Classification Sherloc (09022015). Collection method: clinical testing. Allele origin: germline.
Comment: This variant, c.952_954del, results in the deletion of 1 amino acid(s) of the PEX14 protein (p.Glu318del), but otherwise preserves the integrity of the reading frame. This variant is present in population databases (no rsID available, gnomAD 0.004%). This variant has not been reported in the literature in individuals affected with PEX14-related conditions. Experimental studies and prediction algorithms are not available or were not evaluated, and the functional significance of this variant is currently unknown. In summary, the available evidence is currently insufficient to determine the role of this variant in disease. Therefore, it has been classified as a Variant of Uncertain Significance.

NM_004565.3(PEX14):c.946GAG[2] (p.Glu318del)

Gene: PEX14 (peroxisomal biogenesis factor 14; plus strand). Cytogenetic location: 1p36.22.
Variant type: Microsatellite.
Coding change: c.946GAG[2] on transcript NM_004565.3 (MANE Select); two copies in a row of the 3-base unit GAG starting at c.946; the reference has three copies in a row; one copy, 3 bases deleted.
Protein change: p.Glu318del; deletes glutamic acid 318.
Molecular consequence: inframe deletion.
Genome position (GRCh38, 1-based): chr1:10,629,805-10,629,807, GAG deleted; deleting any 3 consecutive bases within chr1:10,629,799-10,629,807 gives the same sequence; the position shown is the placement nearest the transcript's 3' end. VCF-style (leftmost placement, unchanged base first): chr1-10629798-CGAG-C. GRCh37 (hg19) VCF-style: chr1-10689855-CGAG-C.
Other names: short protein forms E318del.
Identifiers: ClinVar variation 1382209 (VCV001382209.5), dbSNP rs1557442698, ClinGen allele CA416034777.